The following is an entry in ClinVar:

ClinVar aggregate classification (germline): Uncertain significance. Review status: criteria provided, multiple submitters, no conflicts (2 of 4 stars). 2 submissions from 2 submitters: Uncertain significance (2). Last evaluated 2024-12-06.

Conditions:
Inborn genetic diseases. Identifiers: MedGen C0950123, MeSH D030342.

Allele frequency attached by ClinVar (database versions not stated): TOPMed below 0.00001; gnomAD 0.00001.
gnomAD v4.1: 1 of 1,614,008 alleles (0.000062%); highest among the groups gnomAD compares: Non-Finnish European, 0.000085%; no homozygotes.

Submissions (2):

Ambry Genetics
Classification: Uncertain significance for Inborn genetic diseases. Last evaluated: 2024-12-06. Review status: criteria provided, single submitter. Criteria: Ambry Variant Classification Scheme 2023. Collection method: clinical testing. Allele origin: germline.
Comment: The p.D173H variant (also known as c.517G>C), located in coding exon 1 of the SAMD9L gene, results from a G to C substitution at nucleotide position 517. The aspartic acid at codon 173 is replaced by histidine, an amino acid with similar properties. This amino acid position is conserved. In addition, this alteration is predicted to be tolerated by in silico analysis. Based on the available evidence, the clinical significance of this variant remains unclear.

Labcorp Genetics (formerly Invitae), Labcorp
Classification: Uncertain significance. Last evaluated: 2023-11-24. Review status: criteria provided, single submitter. Criteria: Invitae Variant Classification Sherloc (09022015). Collection method: clinical testing. Allele origin: germline.
Comment: This sequence change replaces aspartic acid, which is acidic and polar, with histidine, which is basic and polar, at codon 173 of the SAMD9L protein (p.Asp173His). This variant is not present in population databases (gnomAD no frequency). This variant has not been reported in the literature in individuals affected with SAMD9L-related conditions. An algorithm developed to predict the effect of missense changes on protein structure and function (PolyPhen-2) suggests that this variant is likely to be disruptive. In summary, the available evidence is currently insufficient to determine the role of this variant in disease. Therefore, it has been classified as a Variant of Uncertain Significance.

NM_152703.5(SAMD9L):c.517G>C (p.Asp173His)

Gene: SAMD9L (sterile alpha motif domain containing 9 like; minus strand). Cytogenetic location: 7q21.2.
Variant type: single nucleotide variant.
Coding change: c.517G>C on transcript NM_152703.5 (MANE Select); coding-DNA position 517, G replaced by C.
Protein change: p.Asp173His; replaces aspartic acid 173 with histidine.
Molecular consequence: missense variant.
Genome position (GRCh38, 1-based): chr7:93,135,455, C>G on the plus strand (G>C on the coding strand, the complement: SAMD9L is on the minus strand). VCF-style: chr7-93135455-C-G. GRCh37 (hg19) VCF-style: chr7-92764768-C-G.
Other names: c.517G>C, p.Asp173His (NM_001303496.3, NM_001303497.3, NM_001303498.3 and 5 more transcripts); c.517G>C (NM_152703.2); short protein forms D173H.
Identifiers: ClinVar variation 2744154 (VCV002744154.4), dbSNP rs1792394594, ClinGen allele CA368202741.